The following is an entry in ClinVar:

ClinVar aggregate classification (germline): Conflicting classifications of pathogenicity. Review status: criteria provided, conflicting classifications (1 of 4 stars). 2 submissions from 2 submitters: Uncertain significance (1); Likely benign (1). Last evaluated 2025-04-27.

Conditions:
Long QT syndrome (LQTS). Identifiers: MedGen C0023976, MeSH D008133, MONDO:0002442. Disease mechanism: loss of function. Inheritance: Various modes of inheritance.
Cardiovascular phenotype. Identifiers: MedGen CN230736.

Submissions (2):

Labcorp Genetics (formerly Invitae), Labcorp
Classification: Uncertain significance for Long QT syndrome. Last evaluated: 2025-04-27. Review status: criteria provided, single submitter. Criteria: Invitae Variant Classification Sherloc (09022015). Collection method: clinical testing. Allele origin: germline.
Comment: This sequence change affects codon 505 of the KCNQ1 mRNA. It is a 'silent' change, meaning that it does not change the encoded amino acid sequence of the KCNQ1 protein. It affects a nucleotide within the consensus splice site. This variant is not present in population databases (gnomAD no frequency). This variant has not been reported in the literature in individuals affected with KCNQ1-related conditions. ClinVar contains an entry for this variant (Variation ID: 1774306). Algorithms developed to predict the effect of sequence changes on RNA splicing suggest that this variant is not likely to affect RNA splicing. In summary, the available evidence is currently insufficient to determine the role of this variant in disease. Therefore, it has been classified as a Variant of Uncertain Significance.

Ambry Genetics
Classification: Likely benign for Cardiovascular phenotype. Last evaluated: 2022-04-04. Review status: criteria provided, single submitter. Criteria: Ambry Variant Classification Scheme 2023. Collection method: clinical testing. Allele origin: germline.

Literature cited by the submitters: PubMed 27613431 (cited by Ambry Genetics).

NM_000218.3(KCNQ1):c.1515G>A (p.Gln505=)

Gene: KCNQ1 (potassium voltage-gated channel subfamily Q member 1; plus strand). Cytogenetic location: 11p15.5.
Variant type: single nucleotide variant.
Coding change: c.1515G>A on transcript NM_000218.3 (MANE Select); coding-DNA position 1515, G replaced by A.
Protein change: p.Gln505=; no amino-acid change (glutamine 505 retained).
Molecular consequence: synonymous variant, initiator codon variant.
Genome position (GRCh38, 1-based): chr11:2,768,844, G>A. VCF-style: chr11-2768844-G-A. GRCh37 (hg19) VCF-style: chr11-2790074-G-A.
Other names: c.1419G>A, p.Gln473= (NM_001406836.1); c.1245G>A, p.Gln415= (NM_001406837.1); c.975G>A, p.Gln325= (NM_001406838.1); c.1134G>A, p.Gln378= (NM_181798.2).
Identifiers: ClinVar variation 1774306 (VCV001774306.5), dbSNP rs2494120063, ClinGen allele CA472459419.
Genomic context (GRCh38, chr11:2,768,844, plus strand): 5'-GTGAGGGGATGACCAGCACAGGGTGGCCACTCACAATCTCCTCTCCTCTCTCCACTGCAG[G>A]CTGCGGGAACACCATCGGGCCACCATTAAGGTCATTCGACGCATGCAGTACTTTGTGGCC-3'
Protein context (NP_000209.2, residues 495-515): TLLTPITHIS[Gln505=]LREHHRATIK